The following is an entry in ClinVar:

NM_015512.5(DNAH1):c.9157G>A (p.Val3053Met)

Gene: DNAH1 (dynein axonemal heavy chain 1; plus strand). Cytogenetic location: 3p21.1.
Variant type: single nucleotide variant.
Coding change: c.9157G>A on transcript NM_015512.5 (MANE Select); coding-DNA position 9157, G replaced by A.
Protein change: p.Val3053Met; replaces valine 3053 with methionine.
Molecular consequence: missense variant.
Genome position (GRCh38, 1-based): chr3:52,388,320, G>A. VCF-style: chr3-52388320-G-A. GRCh37 (hg19) VCF-style: chr3-52422336-G-A.
Other names: c.9157G>A (NM_015512.4); short protein forms V3053M.
Identifiers: ClinVar variation 1045531 (VCV001045531.3), dbSNP rs781056727, ClinGen allele CA2435394.

ClinVar aggregate classification (germline): Uncertain significance. Review status: criteria provided, multiple submitters, no conflicts (2 of 4 stars). 2 submissions from 2 submitters: Uncertain significance (2). Last evaluated 2024-09-08.

Conditions:
Spermatogenic failure 18. Identifiers: MedGen C4539783, MONDO:0054615, OMIM 617576.
Ciliary dyskinesia, primary, 37 (CILD37). Also called: CILIARY DYSKINESIA, PRIMARY, 37, WITH OR WITHOUT SITUS INVERSUS. Identifiers: MedGen C4539798, MONDO:0033204, OMIM 617577.

Allele frequency attached by ClinVar (database versions not stated): TOPMed 0.00002.
gnomAD v4.1: 4 of 1,602,622 alleles (0.00025%); highest among the groups gnomAD compares: Non-Finnish European, 0.00034%; no homozygotes.

Submissions (2):

Ambry Genetics
Classification: Uncertain significance. Last evaluated: 2024-09-08. Review status: criteria provided, single submitter. Criteria: Ambry Variant Classification Scheme 2023. Collection method: clinical testing. Allele origin: germline.

Labcorp Genetics (formerly Invitae), Labcorp
Classification: Uncertain significance for Ciliary dyskinesia, primary, 37; Spermatogenic failure 18. Last evaluated: 2021-08-24. Review status: criteria provided, single submitter. Criteria: Invitae Variant Classification Sherloc (09022015). Collection method: clinical testing. Allele origin: germline.
Comment: This sequence change replaces valine with methionine at codon 3053 of the DNAH1 protein (p.Val3053Met). The valine residue is highly conserved and there is a small physicochemical difference between valine and methionine. This variant is present in population databases (rs781056727, ExAC 0.002%). This variant has not been reported in the literature in individuals affected with DNAH1-related conditions. Algorithms developed to predict the effect of missense changes on protein structure and function are either unavailable or do not agree on the potential impact of this missense change (SIFT: "Deleterious"; PolyPhen-2: "Probably Damaging"; Align-GVGD: "Class C0"). In summary, the available evidence is currently insufficient to determine the role of this variant in disease. Therefore, it has been classified as a Variant of Uncertain Significance.